The following is an entry in ClinVar:

NM_020949.3(SLC7A14):c.2162G>C (p.Gly721Ala)

Gene: SLC7A14 (solute carrier family 7 member 14; minus strand). Cytogenetic location: 3q26.2.
Variant type: single nucleotide variant.
Coding change: c.2162G>C on transcript NM_020949.3 (MANE Select); coding-DNA position 2162, G replaced by C.
Protein change: p.Gly721Ala; replaces glycine 721 with alanine.
Molecular consequence: missense variant.
Genome position (GRCh38, 1-based): chr3:170,467,209, C>G on the plus strand (G>C on the coding strand, the complement: SLC7A14 is on the minus strand). VCF-style: chr3-170467209-C-G. GRCh37 (hg19) VCF-style: chr3-170184997-C-G.
Other names: short protein forms G721A.
Identifiers: ClinVar variation 3632981 (VCV003632981.2).

ClinVar aggregate classification (germline): Uncertain significance (1 of 4 stars; one submission).

Submission:

Labcorp Genetics (formerly Invitae), Labcorp
Classification: Uncertain significance. Last evaluated: 2024-01-31. Review status: criteria provided, single submitter. Criteria: Invitae Variant Classification Sherloc (09022015). Collection method: clinical testing. Allele origin: germline.
Comment: This sequence change replaces glycine, which is neutral and non-polar, with alanine, which is neutral and non-polar, at codon 721 of the SLC7A14 protein (p.Gly721Ala). This variant is not present in population databases (gnomAD no frequency). This variant has not been reported in the literature in individuals affected with SLC7A14-related conditions. Algorithms developed to predict the effect of missense changes on protein structure and function output the following: SIFT: "Not Available"; PolyPhen-2: "Benign"; Align-GVGD: "Not Available". The alanine amino acid residue is found in multiple mammalian species, which suggests that this missense change does not adversely affect protein function. In summary, the available evidence is currently insufficient to determine the role of this variant in disease. Therefore, it has been classified as a Variant of Uncertain Significance.